The following is an entry in ClinVar:

ClinVar aggregate classification (germline): Uncertain significance (1 of 4 stars; one submission).

Conditions:
Fanconi anemia (FA). Also called: Fanconi's anemia. Identifiers: Orphanet 84, MedGen C0015625, MeSH D005199, MONDO:0019391.

Allele frequency attached by ClinVar (database versions not stated): gnomAD 0.00001; TOPMed below 0.00001.
gnomAD v4.1: 1 of 1,549,870 alleles (0.000065%); highest among the groups gnomAD compares: East Asian, 0.0024%; no homozygotes.

Submission:

Labcorp Genetics (formerly Invitae), Labcorp
Classification: Uncertain significance for Fanconi anemia. Last evaluated: 2022-09-01. Review status: criteria provided, single submitter. Criteria: Invitae Variant Classification Sherloc (09022015). Collection method: clinical testing. Allele origin: germline.
Comment: This sequence change replaces alanine, which is neutral and non-polar, with proline, which is neutral and non-polar, at codon 636 of the FANCA protein (p.Ala636Pro). This variant is present in population databases (no rsID available, gnomAD 0.06%). This variant has not been reported in the literature in individuals affected with FANCA-related conditions. ClinVar contains an entry for this variant (Variation ID: 855300). Advanced modeling of protein sequence and biophysical properties (such as structural, functional, and spatial information, amino acid conservation, physicochemical variation, residue mobility, and thermodynamic stability) performed at Invitae indicates that this missense variant is not expected to disrupt FANCA protein function. In summary, the available evidence is currently insufficient to determine the role of this variant in disease. Therefore, it has been classified as a Variant of Uncertain Significance.

NM_000135.4(FANCA):c.1906G>C (p.Ala636Pro)

Gene: FANCA (FA complementation group A; minus strand). Cytogenetic location: 16q24.3.
Variant type: single nucleotide variant.
Coding change: c.1906G>C on transcript NM_000135.4 (MANE Select); coding-DNA position 1906, G replaced by C.
Protein change: p.Ala636Pro; replaces alanine 636 with proline.
Molecular consequence: missense variant.
Genome position (GRCh38, 1-based): chr16:89,773,379, C>G on the plus strand (G>C on the coding strand, the complement: FANCA is on the minus strand). VCF-style: chr16-89773379-C-G. GRCh37 (hg19) VCF-style: chr16-89839787-C-G.
Other names: c.1906G>C, p.Ala636Pro (NM_001286167.3); short protein forms A636P.
Identifiers: ClinVar variation 855300 (VCV000855300.7), dbSNP rs1236146369, ClinGen allele CA397450428.
Genomic context (GRCh38, chr16:89,773,379, plus strand): 5'-CAGCTGTGAGCTGTCCCAGGGGCTCCTCAGCAGAGTTGGGTTCTGCCCTCACTCCCAGGG[C>G]TGCATCTGTGAGAAGAAGGAAGAAACCAGATGGAAAGACACTCAACAGGACTCTTCACTG-3'
Protein context (NP_000126.2, residues 626-646): SAAEEKPEDA[Ala636Pro]LGVRAEPNSA